The following is an entry in ClinVar:

NM_001077365.2(POMT1):c.2027T>C (p.Phe676Ser)

Gene: POMT1 (protein O-mannosyltransferase 1; plus strand). Cytogenetic location: 9q34.13.
Variant type: single nucleotide variant.
Coding change: c.2027T>C on transcript NM_001077365.2 (MANE Select); coding-DNA position 2027, T replaced by C.
Protein change: p.Phe676Ser; replaces phenylalanine 676 with serine.
Molecular consequence: missense variant. On other transcripts: non-coding transcript variant (10).
Genome position (GRCh38, 1-based): chr9:131,522,955, T>C. VCF-style: chr9-131522955-T-C. GRCh37 (hg19) VCF-style: chr9-134398342-T-C.
Other names: c.1865T>C, p.Phe622Ser (NM_001077366.2, NM_001353194.2); c.2027T>C, p.Phe676Ser (NM_001136113.2); c.1676T>C, p.Phe559Ser (NM_001136114.2, NM_001353195.2, NM_001374691.1 and 2 more transcripts); c.2093T>C, p.Phe698Ser (NM_001353193.2, NM_007171.4); c.1937T>C, p.Phe646Ser (NM_001353196.2); c.1931T>C, p.Phe644Ser (NM_001353197.2, NM_001353198.2); c.1742T>C, p.Phe581Ser (NM_001353199.2); c.1571T>C, p.Phe524Ser (NM_001353200.2); and 3 more; short protein forms F698S, F676S, F644S, F646S, F524S, F559S, F581S, F622S.
Identifiers: ClinVar variation 538721 (VCV000538721.6), dbSNP rs1201402718, ClinGen allele CA375314977.

ClinVar aggregate classification (germline): Uncertain significance (1 of 4 stars; one submission).

Conditions:
Autosomal recessive limb-girdle muscular dystrophy type 2K. Also called: MUSCULAR DYSTROPHY-DYSTROGLYCANOPATHY (LIMB-GIRDLE), TYPE C, 1; MUSCULAR DYSTROPHY, LIMB-GIRDLE, TYPE 2K. Identifiers: Orphanet 86812, MedGen C1836373, MONDO:0012248, OMIM 609308.
Walker-Warburg congenital muscular dystrophy. Also called: Muscular dystrophy-dystroglycanopathy, type A; Walker-Warburg syndrome. Identifiers: Orphanet 899, MedGen C0265221, MONDO:0000171.
Muscular dystrophy-dystroglycanopathy (congenital with impaired intellectual development), type B, 1. Also called: Muscular dystrophy-dystroglycanopathy (congenital with intellectual disability), type B1; MUSCULAR DYSTROPHY, CONGENITAL, POMT1-RELATED. Identifiers: MedGen C5436962, MONDO:0013159, OMIM 613155.

Allele frequency attached by ClinVar (database versions not stated): gnomAD exomes below 0.00001 and 0.00002; TOPMed below 0.00001.
gnomAD v4.1: 6 of 1,597,636 alleles (0.00038%); highest among the groups gnomAD compares: East Asian, 0.011%; no homozygotes.

Submission:

Labcorp Genetics (formerly Invitae), Labcorp
Classification: Uncertain significance for Muscular dystrophy-dystroglycanopathy (congenital with impaired intellectual development), type B, 1; Walker-Warburg congenital muscular dystrophy; Autosomal recessive limb-girdle muscular dystrophy type 2K. Last evaluated: 2022-03-18. Review status: criteria provided, single submitter. Criteria: Invitae Variant Classification Sherloc (09022015). Collection method: clinical testing. Allele origin: germline.
Comment: This sequence change replaces phenylalanine, which is neutral and non-polar, with serine, which is neutral and polar, at codon 698 of the POMT1 protein (p.Phe698Ser). This variant is present in population databases (no rsID available, gnomAD 0.02%). This variant has not been reported in the literature in individuals affected with POMT1-related conditions. ClinVar contains an entry for this variant (Variation ID: 538721). Algorithms developed to predict the effect of missense changes on protein structure and function (SIFT, PolyPhen-2, Align-GVGD) all suggest that this variant is likely to be tolerated. In summary, the available evidence is currently insufficient to determine the role of this variant in disease. Therefore, it has been classified as a Variant of Uncertain Significance.